The following is an entry in ClinVar:

NM_020066.5(FMN2):c.3360T>A (p.Pro1120=)

Gene: FMN2 (formin 2; plus strand). Cytogenetic location: 1q43.
Variant type: single nucleotide variant.
Coding change: c.3360T>A on transcript NM_020066.5 (MANE Select); coding-DNA position 3360, T replaced by A.
Protein change: p.Pro1120=; no amino-acid change (proline 1120 retained).
Molecular consequence: synonymous variant. On other transcripts: intron variant (1).
Genome position (GRCh38, 1-based): chr1:240,208,172, T>A. VCF-style: chr1-240208172-T-A. GRCh37 (hg19) VCF-style: chr1-240371472-T-A.
Other names: c.3372T>A, p.Pro1124= (NM_001305424.2); c.1986+19910T>A (NM_001348094.2).
Identifiers: ClinVar variation 3047708 (VCV003047708.5), dbSNP rs181634878, ClinGen allele CA1477126.

ClinVar aggregate classification (germline): Likely benign. Review status: criteria provided, multiple submitters, no conflicts (2 of 4 stars). 3 submissions from 3 submitters: Likely benign (2). 1 of the submissions does not count toward it. Last evaluated 2026-04-01.

Conditions:
FMN2-related disorder. Also called: FMN2-related condition.

Submissions (3):

CeGaT Center for Human Genetics Tuebingen
Classification: Likely benign. Last evaluated: 2026-04-01. Review status: criteria provided, single submitter. Criteria: CeGaT Center For Human Genetics Tuebingen Variant Classification Criteria Version 2. Collection method: clinical testing. Allele origin: germline. Affected: yes. Observed: 1 variant allele.
Comment: FMN2: BP4, BP7

Blueprint Genetics
Classification: Likely benign. Last evaluated: 2024-07-05. Review status: criteria provided, single submitter. Criteria: ACMG Guidelines, 2015. Collection method: clinical testing. Allele origin: germline.

PreventionGenetics, part of Exact Sciences
Classification: Likely benign for FMN2-related condition. Last evaluated: 2020-06-08. Review status: no assertion criteria provided. Collection method: clinical testing. Allele origin: germline. Not counted in ClinVar's aggregate classification.
Comment: This variant is classified as likely benign based on ACMG/AMP sequence variant interpretation guidelines (Richards et al. 2015 PMID: 25741868, with internal and published modifications).